The following is an entry in ClinVar:

NM_002519.3(NPAT):c.1165T>C (p.Ser389Pro)

Gene: NPAT (nuclear protein, coactivator of histone transcription; minus strand). Cytogenetic location: 11q22.3.
Variant type: single nucleotide variant.
Coding change: c.1165T>C on transcript NM_002519.3 (MANE Select); coding-DNA position 1165, T replaced by C.
Protein change: p.Ser389Pro; replaces serine 389 with proline.
Molecular consequence: missense variant.
Genome position (GRCh38, 1-based): chr11:108,173,819, A>G on the plus strand (T>C on the coding strand, the complement: NPAT is on the minus strand). VCF-style: chr11-108173819-A-G. GRCh37 (hg19) VCF-style: chr11-108044546-A-G.
Other names: c.1165T>C, p.Ser389Pro (NM_001321307.1); short protein forms S389P.
Identifiers: ClinVar variation 3300648 (VCV003300648.1).

ClinVar aggregate classification (germline): Uncertain significance (1 of 4 stars; one submission).

Submission:

Ambry Genetics
Classification: Uncertain significance. Last evaluated: 2024-03-21. Review status: criteria provided, single submitter. Criteria: Ambry Variant Classification Scheme 2023. Collection method: clinical testing. Allele origin: germline.
Comment: The p.S389P variant (also known as c.1165T>C), located in coding exon 13 of the NPAT gene, results from a T to C substitution at nucleotide position 1165. The serine at codon 389 is replaced by proline, an amino acid with similar properties. This amino acid position is conserved. In addition, this alteration is predicted to be tolerated by in silico analysis. Based on the available evidence, the clinical significance of this alteration remains unclear.